The following is an entry in ClinVar:

NM_000038.6(APC):c.1352_1358del (p.Val450_Cys451insTer)

Gene: APC (APC regulator of Wnt signaling pathway; plus strand). Cytogenetic location: 5q22.2.
Variant type: Deletion.
Coding change: c.1352_1358del on transcript NM_000038.6 (MANE Select); coding-DNA positions 1352 to 1358, 7 bases deleted (GTGTTCT; older notation c.1352_1358delGTGTTCT).
Protein change: p.Val450_Cys451insTer.
Molecular consequence: nonsense. On other transcripts: frameshift variant (20).
Genome position (GRCh38, 1-based): chr5:112,821,935-112,821,941, GTGTTCT deleted; deleting any 7 consecutive bases within chr5:112,821,934-112,821,941 gives the same sequence; the c. name uses the placement nearest the transcript's 3' end. VCF-style (leftmost placement, unchanged base first): chr5-112821933-GTGTGTTC-G. GRCh37 (hg19) VCF-style: chr5-112157630-GTGTGTTC-G.
Other names: c.1352_1358del, p.Val450_Cys451insTer (NM_001127510.3, NM_001354895.2, NM_001354896.2); c.1298_1304del, p.Val432_Cys433insTer (NM_001127511.3); c.1382_1388del, p.Val460_Cys461insTer (NM_001354897.2); c.1277_1283del, p.Val425_Cys426insTer (NM_001354898.2); c.1268_1274del, p.Val422_Cys423insTer (NM_001354899.2); c.1175_1181del, p.Val391_Cys392insTer (NM_001354900.2, NM_001354901.2); c.1079_1085del, p.Val359_Cys360insTer (NM_001354902.2); c.1049_1055del, p.Val349_Cys350insTer (NM_001354903.2); and 12 more.
Identifiers: ClinVar variation 1770620 (VCV001770620.2), dbSNP rs2533108502, ClinGen allele CA2580072595.
Genomic context (GRCh38, chr5:112,821,933, plus strand): 5'-TTTATGTTGATTTTATTTTTCAGTGCCAGCTCCTGTTGAACATCAGATCTGTCCTGCTGT[GTGTGTTC>G]TAATGAAACTTTCATTTGATGAAGAGCATAGACATGCAATGAATGAACTAGGTAAGACAA-3'

ClinVar aggregate classification (germline): Pathogenic (1 of 4 stars; one submission).

Conditions:
Hereditary cancer-predisposing syndrome. Also called: Hereditary Cancer Syndrome; Hereditary neoplastic syndrome; Neoplastic Syndromes, Hereditary; Tumor predisposition. Identifiers: Orphanet 140162, MedGen C0027672, MeSH D009386, MONDO:0015356.

Submission:

Ambry Genetics
Classification: Pathogenic for Hereditary cancer-predisposing syndrome. Last evaluated: 2021-09-16. Review status: criteria provided, single submitter. Criteria: Ambry Variant Classification Scheme 2023. Collection method: clinical testing. Allele origin: germline.
Comment: The c.1352_1358delGTGTTCT pathogenic mutation, located in coding exon 10 of the APC gene, results from a deletion of 7 nucleotides at nucleotide positions 1352 to 1358, causing a translational frameshift with a predicted alternate stop codon (p.C451*). This variant is considered to be rare based on population cohorts in the Genome Aggregation Database (gnomAD). This alteration is expected to result in loss of function by premature protein truncation or nonsense-mediated mRNA decay. As such, this alteration is interpreted as a disease-causing mutation.